The following is an entry in ClinVar:

ClinVar aggregate classification (germline): Benign. Review status: criteria provided, multiple submitters, no conflicts (2 of 4 stars). 9 submissions from 8 submitters: Benign (8). 1 of the submissions does not count toward it. Last evaluated 2026-02-03.

Conditions:
Encephalopathy, lethal, due to defective mitochondrial peroxisomal fission 1. Also called: Lethal Encephalopathy Due To Defective Mitochondrial Peroxisomal Fission. Identifiers: Orphanet 330050, MedGen C3280660, MONDO:0013726, OMIM 614388.
Optic atrophy 5 (OPA5). Identifiers: Orphanet 98673, MedGen C1853139, MONDO:0012543, OMIM 610708.

Allele frequency attached by ClinVar (database versions not stated): gnomAD exomes 0.12282; ExAC 0.12558; 1000 Genomes Project 0.12660; 1000 Genomes Project 30x 0.12851; gnomAD 0.14045 and 0.14357; TOPMed 0.14610; ESP Exome Variant Server 0.15139.
gnomAD v4.1: 217,548 of 1,613,402 alleles (13%); highest among the groups gnomAD compares: Middle Eastern, 18%; 15,166 homozygotes.

Submissions (9):

Labcorp Genetics (formerly Invitae), Labcorp
Classification: Benign. Last evaluated: 2026-02-03. Review status: criteria provided, single submitter. Criteria: Invitae Variant Classification Sherloc (09022015). Collection method: clinical testing. Allele origin: germline.

Blueprint Genetics
Classification: Benign. Last evaluated: 2024-11-27. Review status: criteria provided, single submitter. Criteria: ACMG Guidelines, 2015. Collection method: clinical testing. Allele origin: germline.

Laboratory for Molecular Medicine, Mass General Brigham Personalized Medicine
Classification: Benign. Last evaluated: 2022-02-04. Review status: criteria provided, single submitter. Criteria: ACMG Guidelines, 2015. Collection method: clinical testing. Allele origin: germline.
Comment: The p.Ser40Ser variant in DNM1L is classified as benign because it has been identified in 12.4% of total chromosomes in gnomAD, including 2316 homozygous individuals.

Genome-Nilou Lab
Classification: Benign for Encephalopathy, lethal, due to defective mitochondrial peroxisomal fission 1. Last evaluated: 2021-07-30. Review status: criteria provided, single submitter. Criteria: ACMG Guidelines, 2015. Collection method: clinical testing. Allele origin: germline. Affected: no.

Genome-Nilou Lab
Classification: Benign for Optic atrophy 5. Last evaluated: 2021-07-30. Review status: criteria provided, single submitter. Criteria: ACMG Guidelines, 2015. Collection method: clinical testing. Allele origin: germline. Affected: no.

GeneDx
Classification: Benign. Last evaluated: 2015-03-03. Review status: criteria provided, single submitter. Criteria: GeneDx Variant Classification Process June 2021. Collection method: clinical testing. Allele origin: germline. Affected: yes.

Breakthrough Genomics
Classification: Benign. Review status: criteria provided, single submitter. Criteria: ACMG Guidelines, 2015. Collection method: not provided. Allele origin: germline. Inheritance: Autosomal recessive inheritance. Affected: yes.

PreventionGenetics, part of Exact Sciences
Classification: Benign. Review status: criteria provided, single submitter. Criteria: ACMG Guidelines, 2015. Collection method: clinical testing. Allele origin: germline.

Mayo Clinic Laboratories, Mayo Clinic
Classification: Benign. Last evaluated: 2016-02-22. Review status: no assertion criteria provided. Collection method: clinical testing. Allele origin: unknown. Not counted in ClinVar's aggregate classification.

NM_012062.5(DNM1L):c.120A>C (p.Ser40=)

Gene: DNM1L (dynamin 1L; plus strand). Cytogenetic location: 12p11.21.
Variant type: single nucleotide variant.
Coding change: c.120A>C on transcript NM_012062.5 (MANE Select); coding-DNA position 120, A replaced by C.
Protein change: p.Ser40=; no amino-acid change (serine 40 retained).
Molecular consequence: synonymous variant. On other transcripts: 5 prime UTR variant (1).
Genome position (GRCh38, 1-based): chr12:32,701,432, A>C. VCF-style: chr12-32701432-A-C. GRCh37 (hg19) VCF-style: chr12-32854366-A-C.
Other names: c.120A>C, p.Ser40= (NM_001278463.2, NM_001278464.2, NM_001278465.2 and 3 more transcripts); c.-86A>C (NM_001278466.2).
Identifiers: ClinVar variation 260165 (VCV000260165.23), dbSNP rs10844308, ClinGen allele CA6507237.